The following is an entry in ClinVar:

NM_000138.5(FBN1):c.7955G>A (p.Cys2652Tyr)

Gene: FBN1 (fibrillin 1; minus strand). Cytogenetic location: 15q21.1.
Variant type: single nucleotide variant.
Coding change: c.7955G>A on transcript NM_000138.5 (MANE Select); coding-DNA position 7955, G replaced by A.
Protein change: p.Cys2652Tyr; replaces cysteine 2652 with tyrosine.
Molecular consequence: missense variant.
Genome position (GRCh38, 1-based): chr15:48,415,632, C>T on the plus strand (G>A on the coding strand, the complement: FBN1 is on the minus strand). VCF-style: chr15-48415632-C-T. GRCh37 (hg19) VCF-style: chr15-48707829-C-T.
Other names: p.C2652Y:TGT>TAT; short protein forms C2652Y.
Identifiers: ClinVar variation 42438 (VCV000042438.22), dbSNP rs397515859, ClinGen allele CA017477.
Genomic context (GRCh38, chr15:48,415,632, plus strand): 5'-CACAGGTAACCGCCCTCGGTATTGGAACAGCCATAGCTGCAGGGGGCCTGCGCAGAGCCA[C>T]ATTCATTGATGTCTTGGCATCCTCCACTGAACTGTTCATACTGGAAGCCGGCGGGACACA-3'
Protein context (NP_000129.3, residues 2642-2662): FSGGCQDINE[Cys2652Tyr]GSAQAPCSYG

ClinVar aggregate classification (germline): Pathogenic/Likely pathogenic. Review status: criteria provided, multiple submitters, no conflicts (2 of 4 stars). 4 submissions from 4 submitters: Pathogenic (2); Likely pathogenic (2). Last evaluated 2025-02-18.

Conditions:
Marfan syndrome (MFS). Also called: FBN1-Related Marfan Syndrome; Marfan syndrome, classic; MARFAN SYNDROME, TYPE I; Marfan syndrome type 1; Marfan's syndrome. Identifiers: Orphanet 284963, Orphanet 558, MedGen C0024796, MONDO:0007947, OMIM 154700.
Familial thoracic aortic aneurysm and aortic dissection (TAAD). Also called: Thoracic aortic aneurysms and dissections. Identifiers: Orphanet 91387, MedGen C4707243, MONDO:0019625.

Submissions (4):

Labcorp Genetics (formerly Invitae), Labcorp
Classification: Pathogenic for Marfan syndrome; Familial thoracic aortic aneurysm and aortic dissection. Last evaluated: 2025-02-18. Review status: criteria provided, single submitter. Criteria: Invitae Variant Classification Sherloc (09022015). Collection method: clinical testing. Allele origin: germline.
Comment: This sequence change replaces cysteine, which is neutral and slightly polar, with tyrosine, which is neutral and polar, at codon 2652 of the FBN1 protein (p.Cys2652Tyr). This variant is not present in population databases (gnomAD no frequency). This missense change has been observed in individuals with clinical features of FBN1-related conditions (PMID: 17627385, 19161152, 35058154). ClinVar contains an entry for this variant (Variation ID: 42438). Invitae Evidence Modeling of protein sequence and biophysical properties (such as structural, functional, and spatial information, amino acid conservation, physicochemical variation, residue mobility, and thermodynamic stability) indicates that this missense variant is expected to disrupt FBN1 protein function with a positive predictive value of 95%. This variant affects a cysteine residue in the EGF-like, TGFBP or hybrid motif domains of FBN1. Cysteine residues are believed to be involved in intramolecular disulfide bridges and have been shown to be important for FBN1 protein structure (PMID: 16905551, 19349279). In addition, missense substitutions affecting cysteine residues within these domains are significantly overrepresented among patients with Marfan syndrome (PMID: 16571647, 17701892). This variant disrupts the p.Cys2652 amino acid residue in FBN1. Other variant(s) that disrupt this residue have been observed in individuals with FBN1-related conditions (PMID: 11826022, 19161152, 26787436; internal data), which suggests that this may be a clinically significant amino acid residue. For these reasons, this variant has been classified as Pathogenic.

Centre of Medical Genetics, University of Antwerp
Classification: Pathogenic for Marfan syndrome. Last evaluated: 2021-03-01. Review status: criteria provided, single submitter. Criteria: Submitter's publication. Collection method: research. Allele origin: unknown. Affected: yes.
Comment: PM2, PVS2, PP4

GeneDx
Classification: Likely pathogenic. Last evaluated: 2018-03-30. Review status: criteria provided, single submitter. Criteria: GeneDx Variant Classification (06012015). Collection method: clinical testing. Allele origin: germline. Affected: yes.
Comment: The C2652Y likely pathogenic variant in the FBN1 gene has been reported in at least one proband with a familial connective tissue disorder; this individual was described as having cardiovascular manifestations including aortic dilation, skeletal system involvement, and myopia (Turner et al., 2009). In addition, C2652Y was found in an affected relative, and it was absent in a second, unaffected relative (Howarth et al, 2007). Moreover, C2652Y is not observed in large population cohorts (Lek et al., 2016).The C2652Y variant results in a non-conservative amino acid substitution, and in-silico analyses, including protein predictors and evolutionary conservation, support a deleterious effect. Furthermore, C2652Y affects a cysteine residue within a calcium-binding EGF-like domain of the FBN1 gene, which may affect disulfide bonding and is predicted to alter the structure and function of the protein. Cysteine substitutions in the calcium-binding EGF-like domains represent the majority of pathogenic missense changes associated with FBN1-related disorders (Collod-Beroud et al., 2003).In summary, C2652Y in the FBN1 gene is interpreted as a likely pathogenic variant.

Laboratory for Molecular Medicine, Mass General Brigham Personalized Medicine
Classification: Likely pathogenic for Marfan syndrome. Last evaluated: 2009-09-24. Review status: criteria provided, single submitter. Criteria: LMM Criteria. Collection method: clinical testing. Allele origin: germline. Observed: 1 variant allele.

Literature cited by the submitters: PubMed 17627385 (cited by Labcorp Genetics (formerly Invitae), Labcorp and Laboratory for Molecular Medicine, Mass General Brigham Personalized Medicine); PubMed 19161152 (cited by Labcorp Genetics (formerly Invitae), Labcorp); PubMed 35058154 (cited by Labcorp Genetics (formerly Invitae), Labcorp); PubMed 16905551 (cited by Labcorp Genetics (formerly Invitae), Labcorp); PubMed 19349279 (cited by Labcorp Genetics (formerly Invitae), Labcorp); PubMed 16571647 (cited by Labcorp Genetics (formerly Invitae), Labcorp); PubMed 17701892 (cited by Labcorp Genetics (formerly Invitae), Labcorp); PubMed 11826022 (cited by Labcorp Genetics (formerly Invitae), Labcorp and Laboratory for Molecular Medicine, Mass General Brigham Personalized Medicine); PubMed 26787436 (cited by Labcorp Genetics (formerly Invitae), Labcorp).